The following is an entry in ClinVar:

NM_004629.2(FANCG):c.634G>A (p.Ala212Thr)

Gene: FANCG (FA complementation group G; minus strand). Cytogenetic location: 9p13.3.
Variant type: single nucleotide variant.
Coding change: c.634G>A on transcript NM_004629.2 (MANE Select); coding-DNA position 634, G replaced by A.
Protein change: p.Ala212Thr; replaces alanine 212 with threonine.
Molecular consequence: missense variant.
Genome position (GRCh38, 1-based): chr9:35,077,276, C>T on the plus strand (G>A on the coding strand, the complement: FANCG is on the minus strand). VCF-style: chr9-35077276-C-T. GRCh37 (hg19) VCF-style: chr9-35077273-C-T.
Other names: short protein forms A212T.
Identifiers: ClinVar variation 853406 (VCV000853406.9), dbSNP rs775291829, ClinGen allele CA5039996.

ClinVar aggregate classification (germline): Uncertain significance. Review status: criteria provided, multiple submitters, no conflicts (2 of 4 stars). 3 submissions from 3 submitters: Uncertain significance (2). 1 of the submissions does not count toward it. Last evaluated 2021-11-03.

Conditions:
Fanconi anemia (FA). Also called: Fanconi's anemia. Identifiers: Orphanet 84, MedGen C0015625, MeSH D005199, MONDO:0019391.
Fanconi anemia complementation group G. Also called: Fanconi anemia group G; FANCG-Related Fanconi Anemia. Identifiers: Orphanet 84, MedGen C3469527, MONDO:0013565, OMIM 614082.

Allele frequency attached by ClinVar (database versions not stated): TOPMed below 0.00001; gnomAD 0.00001 and 0.00002; gnomAD exomes 0.00001 and 0.00002; ExAC 0.00002.
gnomAD v4.1: 30 of 1,614,174 alleles (0.0019%); highest among the groups gnomAD compares: Non-Finnish European, 0.0015%; no homozygotes.

Submissions (3):

Institute for Clinical Genetics, University Hospital TU Dresden, University Hospital TU Dresden
Classification: Uncertain significance. Last evaluated: 2021-11-03. Review status: criteria provided, single submitter. Criteria: ACMG Guidelines, 2015. Collection method: clinical testing. Allele origin: germline.

Labcorp Genetics (formerly Invitae), Labcorp
Classification: Uncertain significance for Fanconi anemia. Last evaluated: 2021-08-27. Review status: criteria provided, single submitter. Criteria: Invitae Variant Classification Sherloc (09022015). Collection method: clinical testing. Allele origin: germline.
Comment: This sequence change replaces alanine with threonine at codon 212 of the FANCG protein (p.Ala212Thr). The alanine residue is moderately conserved and there is a small physicochemical difference between alanine and threonine. This variant is present in population databases (rs775291829, ExAC 0.02%). This variant has not been reported in the literature in individuals affected with FANCG-related conditions. Algorithms developed to predict the effect of missense changes on protein structure and function output the following: SIFT: "Tolerated"; PolyPhen-2: "Possibly Damaging"; Align-GVGD: "Class C0". The threonine amino acid residue is found in multiple mammalian species, which suggests that this missense change does not adversely affect protein function. In summary, the available evidence is currently insufficient to determine the role of this variant in disease. Therefore, it has been classified as a Variant of Uncertain Significance.

Natera, Inc.
Classification: Uncertain significance for Fanconi anemia group G. Last evaluated: 2020-04-13. Review status: no assertion criteria provided. Collection method: clinical testing. Allele origin: germline. Not counted in ClinVar's aggregate classification.